The following is an entry in ClinVar:

ClinVar aggregate classification (germline): Uncertain significance (1 of 4 stars; one submission).

Conditions:
Primary dilated cardiomyopathy (DCM). Also called: Dilated Cardiomyopathy. Identifiers: Orphanet 217604, MedGen C0007193, MeSH D002311, MONDO:0005021, HP:0001644. Inheritance: Various modes of inheritance.

gnomAD v4.1: 5 of 1,610,364 alleles (0.00031%); highest among the groups gnomAD compares: East Asian, 0.011%; no homozygotes.

Submission:

Labcorp Genetics (formerly Invitae), Labcorp
Classification: Uncertain significance for Primary dilated cardiomyopathy. Last evaluated: 2022-09-27. Review status: criteria provided, single submitter. Criteria: Invitae Variant Classification Sherloc (09022015). Collection method: clinical testing. Allele origin: germline.
Comment: This variant has not been reported in the literature in individuals affected with NEBL-related conditions. This variant is present in population databases (no rsID available, gnomAD 0.02%). This sequence change replaces lysine, which is basic and polar, with asparagine, which is neutral and polar, at codon 423 of the NEBL protein (p.Lys423Asn). ClinVar contains an entry for this variant (Variation ID: 1443060). In summary, the available evidence is currently insufficient to determine the role of this variant in disease. Therefore, it has been classified as a Variant of Uncertain Significance. Algorithms developed to predict the effect of missense changes on protein structure and function are either unavailable or do not agree on the potential impact of this missense change (SIFT: "Deleterious"; PolyPhen-2: "Possibly Damaging"; Align-GVGD: "Class C0").

NM_006393.3(NEBL):c.1269A>T (p.Lys423Asn)

Gene: NEBL (nebulette; minus strand). Cytogenetic location: 10p12.31.
Variant type: single nucleotide variant.
Coding change: c.1269A>T on transcript NM_006393.3 (MANE Select); coding-DNA position 1269, A replaced by T.
Protein change: p.Lys423Asn; replaces lysine 423 with asparagine.
Molecular consequence: missense variant. On other transcripts: intron variant (9).
Genome position (GRCh38, 1-based): chr10:20,840,808, T>A on the plus strand (A>T on the coding strand, the complement: NEBL is on the minus strand). VCF-style: chr10-20840808-T-A. GRCh37 (hg19) VCF-style: chr10-21129737-T-A.
Other names: c.250-27868A>T (NM_001377326.1, NM_001377327.1, NM_001377328.1); c.358-27868A>T (NM_213569.2, NM_001173484.2, NM_001377322.1); c.301-27868A>T (NM_001377324.1); c.292-27868A>T (NM_001377325.1); c.310-27868A>T (NM_001377323.1); short protein forms K423N.
Identifiers: ClinVar variation 1443060 (VCV001443060.8), dbSNP rs138932199, ClinGen allele CA376099219.